The following is an entry in ClinVar:

ClinVar aggregate classification (germline): Likely benign. Review status: criteria provided, multiple submitters, no conflicts (2 of 4 stars). 2 submissions from 2 submitters: Likely benign (2). Last evaluated 2025-04-01.

Allele frequency attached by ClinVar (database versions not stated): gnomAD 0.00001; ExAC 0.00002; TOPMed 0.00002; gnomAD exomes 0.00003; ESP Exome Variant Server 0.00008.
gnomAD v4.1: 39 of 1,613,918 alleles (0.0024%); highest among the groups gnomAD compares: Non-Finnish European, 0.0029%; no homozygotes.

Submissions (2):

CeGaT Center for Human Genetics Tuebingen
Classification: Likely benign. Last evaluated: 2025-04-01. Review status: criteria provided, single submitter. Criteria: CeGaT Center For Human Genetics Tuebingen Variant Classification Criteria Version 2. Collection method: clinical testing. Allele origin: germline. Affected: yes. Observed: 1 variant allele.
Comment: ANK3: BP4, BP7

Labcorp Genetics (formerly Invitae), Labcorp
Classification: Likely benign. Last evaluated: 2024-10-25. Review status: criteria provided, single submitter. Criteria: Invitae Variant Classification Sherloc (09022015). Collection method: clinical testing. Allele origin: germline.

NM_020987.5(ANK3):c.9786G>A (p.Ala3262=)

Gene: ANK3 (ankyrin 3; minus strand). Cytogenetic location: 10q21.2.
Variant type: single nucleotide variant.
Coding change: c.9786G>A on transcript NM_020987.5 (MANE Select); coding-DNA position 9786, G replaced by A.
Protein change: p.Ala3262=; no amino-acid change (alanine 3262 retained).
Molecular consequence: synonymous variant. On other transcripts: intron variant (4).
Genome position (GRCh38, 1-based): chr10:60,071,095, C>T on the plus strand (G>A on the coding strand, the complement: ANK3 is on the minus strand). VCF-style: chr10-60071095-C-T. GRCh37 (hg19) VCF-style: chr10-61830853-C-T.
Other names: c.4388-3086G>A (NM_001204403.2); c.4409-3086G>A (NM_001204404.2); c.4406-3086G>A (NM_001320874.2); c.1808-3086G>A (NM_001149.4).
Identifiers: ClinVar variation 2895880 (VCV002895880.10), dbSNP rs149717308, ClinGen allele CA5511334.